The following is an entry in ClinVar:

ClinVar aggregate classification (germline): Uncertain significance. Review status: criteria provided, single submitter (1 of 4 stars). 2 submissions from 2 submitters: Uncertain significance (1). 1 of the submissions does not count toward it. Last evaluated 2021-08-24.

Conditions:
Cardiomyopathy (CMYO). Also called: Cardiomyopathies. Identifiers: Orphanet 167848, MedGen C0878544, MONDO:0004994, HP:0001638. Inheritance: Various modes of inheritance.
Dystrophin deficiency.
Duchenne muscular dystrophy (DMD). Also called: MUSCULAR DYSTROPHY, PSEUDOHYPERTROPHIC PROGRESSIVE, DUCHENNE TYPE; Duchenne Muscular Dystrophy (DMD). Identifiers: Orphanet 98896, MedGen C0013264, MONDO:0010679, OMIM 310200.
Becker muscular dystrophy (BMD). Also called: Becker Muscular Dystrophy (BMD); MUSCULAR DYSTROPHY, PSEUDOHYPERTROPHIC PROGRESSIVE, BECKER TYPE. Identifiers: Orphanet 98895, MedGen C0917713, MONDO:0010311, OMIM 300376.

Submissions (2):

Labcorp Genetics (formerly Invitae), Labcorp
Classification: Uncertain significance for Duchenne muscular dystrophy. Last evaluated: 2021-08-24. Review status: criteria provided, single submitter. Criteria: Invitae Variant Classification Sherloc (09022015). Collection method: clinical testing. Allele origin: germline.
Comment: This sequence change replaces methionine with valine at codon 1483 of the DMD protein (p.Met1483Val). The methionine residue is moderately conserved and there is a small physicochemical difference between methionine and valine. This variant is not present in population databases (ExAC no frequency). This variant has not been reported in the literature in individuals affected with DMD-related conditions. Algorithms developed to predict the effect of missense changes on protein structure and function output the following: SIFT: "Tolerated"; PolyPhen-2: "Benign"; Align-GVGD: "Class C0". The valine amino acid residue is found in multiple mammalian species, which suggests that this missense change does not adversely affect protein function. Algorithms developed to predict the effect of sequence changes on RNA splicing suggest that this variant may create or strengthen a splice site. In summary, the available evidence is currently insufficient to determine the role of this variant in disease. Therefore, it has been classified as a Variant of Uncertain Significance.

Natera, Inc.
Classification: Uncertain significance for Becker muscular dystrophy; Cardiomyopathy; Duchenne muscular dystrophy; Dystrophin deficiency. Last evaluated: 2020-02-13. Review status: no assertion criteria provided. Collection method: clinical testing. Allele origin: germline. Not counted in ClinVar's aggregate classification.

NM_004006.3(DMD):c.4447A>G (p.Met1483Val)

Gene: DMD (dystrophin; minus strand). Cytogenetic location: Xp21.1.
Variant type: single nucleotide variant.
Coding change: c.4447A>G on transcript NM_004006.3 (MANE Select); coding-DNA position 4447, A replaced by G.
Protein change: p.Met1483Val; replaces methionine 1483 with valine.
Molecular consequence: missense variant.
Genome position (GRCh38, 1-based): chrX:32,389,572, T>C on the plus strand (A>G on the coding strand, the complement: DMD is on the minus strand). VCF-style: chrX-32389572-T-C. GRCh37 (hg19) VCF-style: chrX-32407689-T-C.
Other names: c.4423A>G, p.Met1475Val (NM_000109.4); c.4435A>G, p.Met1479Val (NM_004009.3); c.4078A>G, p.Met1360Val (NM_004010.3); c.424A>G, p.Met142Val (NM_004011.4); c.415A>G, p.Met139Val (NM_004012.4); short protein forms M1360V, M139V, M142V, M1475V, M1479V, M1483V.
Identifiers: ClinVar variation 1062066 (VCV001062066.7), dbSNP rs2147611951, ClinGen allele CA412663188.